The following is an entry in ClinVar:

NM_014714.4(IFT140):c.1671_1676del (p.Ser558_Cys559del)

Gene: IFT140 (intraflagellar transport 140; minus strand). Cytogenetic location: 16p13.3.
Variant type: Deletion.
Coding change: c.1671_1676del on transcript NM_014714.4 (MANE Select); coding-DNA positions 1671 to 1676, 6 bases deleted (TAGCTG; older notation c.1671_1676delTAGCTG).
Protein change: p.Ser558_Cys559del.
Genome position (GRCh38, 1-based): chr16:1,568,311-1,568,316, CAGCTA deleted on the plus strand (TAGCTG on the coding strand, the reverse complement: IFT140 is on the minus strand); deleting any 6 consecutive bases within chr16:1,568,311-1,568,319 gives the same sequence; the c. name uses the placement nearest the transcript's 3' end. VCF-style (leftmost placement, unchanged base first): chr16-1568310-GCAGCTA-G. GRCh37 (hg19) VCF-style: chr16-1618311-GCAGCTA-G.
Identifiers: ClinVar variation 3640066 (VCV003640066.2).

ClinVar aggregate classification (germline): Uncertain significance (1 of 4 stars; one submission).

Conditions:
Saldino-Mainzer syndrome (SRTD9). Also called: CONORENAL SYNDROME; SHORT-RIB THORACIC DYSPLASIA 9 WITHOUT POLYDACTYLY; Renal dysplasia, retinal pigmentary dystrophy, cerebellar ataxia and skeletal dysplasia; short-rib thoracic dysplasia 9 with or without polydactyly. Identifiers: Orphanet 140969, MedGen C1849437, MONDO:0009964, OMIM 266920.

Submission:

Labcorp Genetics (formerly Invitae), Labcorp
Classification: Uncertain significance for Saldino-Mainzer syndrome. Last evaluated: 2024-02-10. Review status: criteria provided, single submitter. Criteria: Invitae Variant Classification Sherloc (09022015). Collection method: clinical testing. Allele origin: germline.
Comment: This variant, c.1671_1676del, results in the deletion of 2 amino acid(s) of the IFT140 protein (p.Ser558_Cys559del), but otherwise preserves the integrity of the reading frame. This variant is not present in population databases (gnomAD no frequency). This variant has not been reported in the literature in individuals affected with IFT140-related conditions. Experimental studies and prediction algorithms are not available or were not evaluated, and the functional significance of this variant is currently unknown. In summary, the available evidence is currently insufficient to determine the role of this variant in disease. Therefore, it has been classified as a Variant of Uncertain Significance.